The following is an entry in ClinVar:

ClinVar aggregate classification (germline): Likely benign. Review status: criteria provided, multiple submitters, no conflicts (2 of 4 stars). 5 submissions from 5 submitters: Likely benign (5). Last evaluated 2026-01-05.

Conditions:
Hypercholesterolemia, autosomal dominant, type B (FHCL2). Also called: APOB-Related Familial Hypercholesterolemia, Autosomal Dominant; Hyperlipoproteinemia Type IIb; Familial Hypercholesterolemia Type B; APOLIPOPROTEIN B-100, FAMILIAL DEFECTIVE; APOLIPOPROTEIN B-100, FAMILIAL LIGAND-DEFECTIVE; HYPERCHOLESTEROLEMIA, FAMILIAL, DUE TO LIGAND-DEFECTIVE APOLIPOPROTEIN B. Identifiers: MedGen C1704417, MONDO:0007751, OMIM 144010.
Familial hypobetalipoproteinemia 1. Also called: Hypobetalipoproteinemia, normotriglyceridemic; Acanthocytosis with hypobetalipoproteinemia; APOB-Related Familial Hypobetalipoproteinemia. Identifiers: MedGen C4551990, MONDO:0014252, OMIM 615558.
Cardiovascular phenotype. Identifiers: MedGen CN230736.
Familial hypercholesterolemia. Also called: Familial hypercholesterolemias; Familial hypercholesterolaemia. Identifiers: MedGen C0020445, MONDO:0005439.

Allele frequency attached by ClinVar (database versions not stated): gnomAD exomes 0.00010; ExAC 0.00012; gnomAD 0.00022 and 0.00024; ESP Exome Variant Server 0.00023; TOPMed 0.00023; 1000 Genomes Project 0.00040; 1000 Genomes Project 30x 0.00062.
gnomAD v4.1: 273 of 1,613,834 alleles (0.017%); highest among the groups gnomAD compares: African/African-American, 0.071%; no homozygotes.

Submissions (5):

Labcorp Genetics (formerly Invitae), Labcorp
Classification: Likely benign for Familial hypobetalipoproteinemia 1; Hypercholesterolemia, autosomal dominant, type B. Last evaluated: 2026-01-05. Review status: criteria provided, single submitter. Criteria: Invitae Variant Classification Sherloc (09022015). Collection method: clinical testing. Allele origin: germline.

Quest Diagnostics Nichols Institute San Juan Capistrano
Classification: Likely benign. Last evaluated: 2025-08-05. Review status: criteria provided, single submitter. Criteria: Quest Diagnostics criteria. Collection method: clinical testing. Allele origin: unknown.

GENinCode PLC
Classification: Likely benign for Familial hypercholesterolemia. Last evaluated: 2025-01-09. Review status: criteria provided, single submitter. Criteria: ACMG Guidelines, 2015. Collection method: clinical testing. Allele origin: germline.
Comment: This is a synonymous (silent) variant that is not predicted to impact splicing and occurs at a nucleotide which is not highly conserved. This variant has been classified as Likely Benign (BP4, BP7).

GeneDx
Classification: Likely benign. Last evaluated: 2017-12-27. Review status: criteria provided, single submitter. Criteria: GeneDx Variant Classification (06012015). Collection method: clinical testing. Allele origin: germline. Affected: yes.
Comment: This variant is considered likely benign or benign based on one or more of the following criteria: it is a conservative change, it occurs at a poorly conserved position in the protein, it is predicted to be benign by multiple in silico algorithms, and/or has population frequency not consistent with disease.

Ambry Genetics
Classification: Likely benign for Cardiovascular phenotype. Last evaluated: 2016-04-13. Review status: criteria provided, single submitter. Criteria: Ambry Variant Classification Scheme 2023. Collection method: clinical testing. Allele origin: germline.

Literature cited by the submitters: PubMed 19602640 (cited by Quest Diagnostics Nichols Institute San Juan Capistrano).

NM_000384.3(APOB):c.11820G>A (p.Thr3940=)

Gene: APOB (apolipoprotein B; minus strand). Cytogenetic location: 2p24.1.
Variant type: single nucleotide variant.
Coding change: c.11820G>A on transcript NM_000384.3 (MANE Select); coding-DNA position 11820, G replaced by A.
Protein change: p.Thr3940=; no amino-acid change (threonine 3940 retained).
Molecular consequence: synonymous variant.
Genome position (GRCh38, 1-based): chr2:21,004,644, C>T on the plus strand (G>A on the coding strand, the complement: APOB is on the minus strand). VCF-style: chr2-21004644-C-T. GRCh37 (hg19) VCF-style: chr2-21227516-C-T.
Identifiers: ClinVar variation 477794 (VCV000477794.23), dbSNP rs72654417, ClinGen allele CA047719.